The following is an entry in ClinVar:

NM_000530.8(MPZ):c.431T>A (p.Leu144Gln)

Gene: MPZ (myelin protein zero; minus strand). Cytogenetic location: 1q23.3.
Variant type: single nucleotide variant.
Coding change: c.431T>A on transcript NM_000530.8 (MANE Select); coding-DNA position 431, T replaced by A.
Protein change: p.Leu144Gln; replaces leucine 144 with glutamine.
Molecular consequence: missense variant.
Genome position (GRCh38, 1-based): chr1:161,306,725, A>T on the plus strand (T>A on the coding strand, the complement: MPZ is on the minus strand). VCF-style: chr1-161306725-A-T. GRCh37 (hg19) VCF-style: chr1-161276515-A-T.
Other names: c.431T>A, p.Leu144Gln (NM_001315491.2); short protein forms L144Q.
Identifiers: ClinVar variation 2578587 (VCV002578587.25), dbSNP rs1571818648, ClinGen allele CA343348267.
Genomic context (GRCh38, chr1:161,306,725, plus strand): 5'-CCCAAACTGCTTCCCATACCCTTGTCCCCATCCCTTCTCACACCTTTTTCAAAGACATAC[A>T]GCGTGACCTGAGAGGTCTTGCCCACTATGTCTGGAGGGTTTTTGACGTCACAAGTGAACG-3'
Protein context (NP_000521.2, residues 134-154): DIVGKTSQVT[Leu144Gln]YVFEKVPTRY

ClinVar aggregate classification (germline): Uncertain significance (1 of 4 stars; one submission).

Submission:

CeGaT Center for Human Genetics Tuebingen
Classification: Uncertain significance. Last evaluated: 2023-07-01. Review status: criteria provided, single submitter. Criteria: CeGaT Center For Human Genetics Tuebingen Variant Classification Criteria Version 2. Collection method: clinical testing. Allele origin: germline. Affected: yes. Observed: 1 variant allele.
Comment: MPZ: PM1, PM2, PP4